The following is an entry in ClinVar:

NM_000996.4(RPL35A):c.164+1G>A

Genes: DRC9 (dynein regulatory complex subunit 9; minus strand), RPL35A (ribosomal protein L35a; plus strand). Cytogenetic location: 3q29.
Variant type: single nucleotide variant.
Coding change: c.164+1G>A on transcript NM_000996.4 (MANE Select); the canonical splice donor site of the intron after coding-DNA position 164, G replaced by A.
Molecular consequence: splice donor variant. On other transcripts: intron variant (3).
Genome position (GRCh38, 1-based): chr3:197,951,312, G>A. VCF-style: chr3-197951312-G-A. GRCh37 (hg19) VCF-style: chr3-197678183-G-A.
Other names: c.-49-7261C>T (NM_001323028.2); c.-59-5626C>T (NM_032263.5); c.-374-5626C>T (NM_001323029.2); c.164+1G>A (NM_001316311.2).
Identifiers: ClinVar variation 843293 (VCV000843293.7), dbSNP rs113752862, ClinGen allele CA355902851.

ClinVar aggregate classification (germline): Likely pathogenic (1 of 4 stars; one submission).

Conditions:
Diamond-Blackfan anemia 5 (DBA5). Also called: RPL35A-Related Diamond-Blackfan Anemia. Identifiers: Orphanet 124, MedGen C2675859, MONDO:0012925, OMIM 612528.

Submission:

Labcorp Genetics (formerly Invitae), Labcorp
Classification: Likely pathogenic for Diamond-Blackfan anemia 5. Last evaluated: 2021-12-02. Review status: criteria provided, single submitter. Criteria: Invitae Variant Classification Sherloc (09022015). Collection method: clinical testing. Allele origin: germline.
Comment: This variant is not present in population databases (gnomAD no frequency). This sequence change affects a donor splice site in intron 3 of the RPL35A gene. It is expected to disrupt RNA splicing. Variants that disrupt the donor or acceptor splice site typically lead to a loss of protein function (PMID: 16199547), and loss-of-function variants in RPL35A are known to be pathogenic (PMID: 18535205, 25946618). In summary, the currently available evidence indicates that the variant is pathogenic, but additional data are needed to prove that conclusively. Therefore, this variant has been classified as Likely Pathogenic. Algorithms developed to predict the effect of sequence changes on RNA splicing suggest that this variant may disrupt the consensus splice site. ClinVar contains an entry for this variant (Variation ID: 843293). This variant has not been reported in the literature in individuals affected with RPL35A-related conditions.

Literature cited by the submitters: PubMed 16199547; PubMed 18535205; PubMed 25946618.